The following is an entry in ClinVar:

NM_000051.4(ATM):c.9006C>T (p.Phe3002=)

Genes: ATM (ATM serine/threonine kinase; plus strand), C11orf65 (chromosome 11 open reading frame 65; minus strand). Cytogenetic location: 11q22.3.
Variant type: single nucleotide variant.
Coding change: c.9006C>T on transcript NM_000051.4 (MANE Select); coding-DNA position 9006, C replaced by T.
Protein change: p.Phe3002=; no amino-acid change (phenylalanine 3002 retained).
Molecular consequence: synonymous variant. On other transcripts: intron variant (2).
Genome position (GRCh38, 1-based): chr11:108,365,343, C>T. VCF-style: chr11-108365343-C-T. GRCh37 (hg19) VCF-style: chr11-108236070-C-T.
Other names: c.9006C>T, p.Phe3002= (NM_001351834.2); c.640+20577G>A (NM_001330368.2); c.694+20577G>A (NM_001351110.2).
Identifiers: ClinVar variation 183808 (VCV000183808.49), dbSNP rs540172506, ClinGen allele CA186560.

ClinVar aggregate classification (germline): Benign/Likely benign. Review status: criteria provided, multiple submitters, no conflicts (2 of 4 stars). 14 submissions from 14 submitters: Benign (7); Likely benign (5). 2 of the submissions do not count toward it. Last evaluated 2026-01-19.

Conditions:
ATM-related disorder. Also called: ATM-related disorders; ATM-related condition.
Hereditary cancer-predisposing syndrome. Also called: Hereditary Cancer Syndrome; Tumor predisposition; Neoplastic Syndromes, Hereditary; Hereditary neoplastic syndrome. Identifiers: Orphanet 140162, MedGen C0027672, MeSH D009386, MONDO:0015356.
Ataxia-telangiectasia syndrome (AT). Also called: ATAXIA-TELANGIECTASIA, COMPLEMENTATION GROUP A; ATAXIA-TELANGIECTASIA, FRESNO VARIANT; Ataxia-telangiectasia; Ataxia-telangiectasia, complementation group E; Cerebello-oculocutaneous telangiectasia; Immunodeficiency with ataxia telangiectasia. Identifiers: Orphanet 100, MedGen C0004135, MONDO:0008840, OMIM 208900.
Familial cancer of breast. Also called: hereditary breast carcinoma; BREAST CANCER, FAMILIAL; Hereditary breast cancer. Identifiers: Orphanet 227535, MedGen C0346153, MONDO:0016419, OMIM 114480. Disease mechanism: loss of function.
Malignant tumor of breast. Also called: Malignant breast neoplasm; Cancer breast. Identifiers: MedGen C0006142, MONDO:0007254. Disease mechanism: loss of function.

Allele frequency attached by ClinVar (database versions not stated): TOPMed 0.00003; gnomAD exomes 0.00031; gnomAD 0.00003; ExAC 0.00029.
gnomAD v4.1: 213 of 1,614,162 alleles (0.013%); highest among the groups gnomAD compares: South Asian, 0.2%; 2 homozygotes.

Submissions (14):

Labcorp Genetics (formerly Invitae), Labcorp
Classification: Benign for Ataxia-telangiectasia syndrome. Last evaluated: 2026-01-19. Review status: criteria provided, single submitter. Criteria: Invitae Variant Classification Sherloc (09022015). Collection method: clinical testing. Allele origin: germline.

Center for Genomic Medicine, Rigshospitalet, Copenhagen University Hospital
Classification: Likely benign. Last evaluated: 2025-12-29. Review status: criteria provided, single submitter. Criteria: ACMG Guidelines, 2015. Collection method: clinical testing. Allele origin: germline.
Comment: Classification criteria: BP4, BP7

Quest Diagnostics Nichols Institute San Juan Capistrano
Classification: Benign. Last evaluated: 2025-10-29. Review status: criteria provided, single submitter. Criteria: Quest Diagnostics criteria. Collection method: clinical testing. Allele origin: unknown.

KCCC/NGS Laboratory, Kuwait Cancer Control Center
Classification: Benign for Familial cancer of breast. Last evaluated: 2025-02-01. Review status: criteria provided, single submitter. Criteria: ACMG Guidelines, 2015. Collection method: clinical testing. Allele origin: germline. Affected: no.

CeGaT Center for Human Genetics Tuebingen
Classification: Likely benign. Last evaluated: 2025-01-01. Review status: criteria provided, single submitter. Criteria: CeGaT Center For Human Genetics Tuebingen Variant Classification Criteria Version 2. Collection method: clinical testing. Allele origin: germline. Affected: yes. Observed: 2 variant alleles.
Comment: ATM: BP4, BP7

Myriad Genetics, Inc.
Classification: Benign for Familial cancer of breast. Last evaluated: 2024-06-24. Review status: criteria provided, single submitter. Criteria: Myriad Autosomal Dominant, Autosomal Recessive and X-Linked Classification Criteria (2023). Collection method: clinical testing. Allele origin: unknown.
Comment: This variant is considered benign. This variant is a silent/synonymous amino acid change and it is not expected to impact splicing.

Women's Health and Genetics/Laboratory Corporation of America, LabCorp
Classification: Likely benign. Last evaluated: 2022-07-17. Review status: criteria provided, single submitter. Criteria: LabCorp Variant Classification Summary - May 2015. Collection method: clinical testing. Allele origin: germline.

Sema4
Classification: Benign for Hereditary cancer-predisposing syndrome. Last evaluated: 2021-08-26. Review status: criteria provided, single submitter. Criteria: Sema4 Curation Guidelines. Collection method: curation. Allele origin: germline.

ARUP Laboratories, Molecular Genetics and Genomics, ARUP Laboratories
Classification: Likely benign. Last evaluated: 2017-07-21. Review status: criteria provided, single submitter. Criteria: ARUP Molecular Germline Variant Investigation Process. Collection method: clinical testing. Allele origin: germline.
Comment: The c.9006C>T variant (rs540172506) does not alter the amino acid sequence of the ATM protein and computational splice site prediction algorithms do not predict a change in the nearest splice site or creation of a cryptic splice site. This variant has not been reported in association with ataxia telangiectasia in medical literature or in gene specific variation databases. This variant is listed in the genome Aggregation Database (gnomAD) with an overall population frequency of 0.02 percent (identified on 79 out of 277,134 chromosomes including 1 homozygote) and has been reported to ClinVar (Variation ID: 183808). Based on these observations, the c.9006C>T variant is likely to be benign.

Color Diagnostics, LLC DBA Color Health
Classification: Benign for Hereditary cancer-predisposing syndrome. Last evaluated: 2016-06-06. Review status: criteria provided, single submitter. Criteria: ACMG Guidelines, 2015. Collection method: clinical testing. Allele origin: germline.

Ambry Genetics
Classification: Likely benign for Hereditary cancer-predisposing syndrome. Last evaluated: 2015-05-26. Review status: criteria provided, single submitter. Criteria: Ambry Variant Classification Scheme 2023. Collection method: clinical testing. Allele origin: germline.

GeneDx
Classification: Benign. Last evaluated: 2015-05-11. Review status: criteria provided, single submitter. Criteria: GeneDx Variant Classification (06012015). Collection method: clinical testing. Allele origin: germline. Affected: yes.
Comment: This variant is considered likely benign or benign based on one or more of the following criteria: it is a conservative change, it occurs at a poorly conserved position in the protein, it is predicted to be benign by multiple in silico algorithms, and/or has population frequency not consistent with disease.

PreventionGenetics, part of Exact Sciences
Classification: Likely benign for ATM-related condition. Last evaluated: 2019-11-26. Review status: no assertion criteria provided. Collection method: clinical testing. Allele origin: germline. Not counted in ClinVar's aggregate classification.
Comment: This variant is classified as likely benign based on ACMG/AMP sequence variant interpretation guidelines (Richards et al. 2015 PMID: 25741868, with internal and published modifications).

Department of Pathology and Laboratory Medicine, Sinai Health System
Classification: Likely benign for Malignant tumor of breast. Review status: no assertion criteria provided. Collection method: clinical testing. Allele origin: unknown. Affected: yes. Study: The Canadian Open Genetics Repository (COGR). Not counted in ClinVar's aggregate classification.
Comment: The ATM p.Phe3002= variant was not identified in the literature nor was it identified in the GeneInsight-COGR, Cosmic, or LOVD 3.0 databases. The variant was identified in dbSNP (ID: rs540172506) as "With Uncertain significance, other allele" and in ClinVar (classified as benign by GeneDx and Color Genomics and classified as likely benign by Ambry Genetics and Invitae). The variant was identified in control databases in 79 of 277134 chromosomes (1 homozygous) at a frequency of 0.0003, increasing the likelihood this could be a low frequency benign variant (Genome Aggregation Database Feb 27, 2017). The variant was observed in the following populations: European Non-Finnish in 8 of 126614 chromosomes (freq: 0.00006) and South Asian in 71 of 30782 chromosomes (freq: 0.002), while the variant was not observed in the African, Other, Latino, Ashkenazi Jewish, East Asian, or Finnish populations. The p.Phe3002= variant is not expected to have clinical significance because it does not result in a change of amino acid and is not located in a known consensus splice site. In addition, 4 of 4 in silico or computational prediction software programs (SpliceSiteFinder, MaxEntScan, NNSPLICE, GeneSplicer) do not predict a difference in splicing. In summary, based on the above information, the clinical significance of this variant cannot be determined with certainty at this time although we would lean towards a more benign role for this variant. This variant is classified as likely benign.